The following is an entry in ClinVar:

NM_004380.3(CREBBP):c.6666_6677del (p.2220_2223GMAG[1])

Gene: CREBBP (CREB binding lysine acetyltransferase; minus strand). Cytogenetic location: 16p13.3.
Variant type: Deletion.
Coding change: c.6666_6677del on transcript NM_004380.3 (MANE Select); coding-DNA positions 6666 to 6677, 12 bases deleted (TGGGGGCATGGC).
Protein change: p.2220_2223GMAG[1].
Molecular consequence: inframe deletion.
Genome position (GRCh38, 1-based): chr16:3,728,370-3,728,381, GCCATGCCCCCA deleted on the plus strand (TGGGGGCATGGC on the coding strand, the reverse complement: CREBBP is on the minus strand); deleting any 12 consecutive bases within chr16:3,728,370-3,728,389 gives the same sequence; the c. name uses the placement nearest the transcript's 3' end. VCF-style (leftmost placement, unchanged base first): chr16-3728369-CGCCATGCCCCCA-C. GRCh37 (hg19) VCF-style: chr16-3778370-CGCCATGCCCCCA-C.
Other names: c.6552_6563del, p.2182_2185GMAG[1] (NM_001079846.1).
Identifiers: ClinVar variation 281679 (VCV000281679.12), dbSNP rs778220523, ClinGen allele CA7869028.

ClinVar aggregate classification (germline): Conflicting classifications of pathogenicity. Review status: criteria provided, conflicting classifications (1 of 4 stars). 3 submissions from 3 submitters: Uncertain significance (1); Likely benign (1). 1 of the submissions does not count toward it. Last evaluated 2020-06-11.

Conditions:
CREBBP-related disorder. Also called: CREBBP-related disorders; CREBBP-related condition.
Inborn genetic diseases. Identifiers: MedGen C0950123, MeSH D030342.

Submissions (3):

Ambry Genetics
Classification: Likely benign for Inborn genetic diseases. Last evaluated: 2020-06-11. Review status: criteria provided, single submitter. Criteria: Ambry Variant Classification Scheme 2023. Collection method: clinical testing. Allele origin: germline.

Eurofins Ntd Llc (ga)
Classification: Uncertain significance. Last evaluated: 2015-06-29. Review status: criteria provided, single submitter. Criteria: EGL Classification Definitions 2015. Collection method: clinical testing. Allele origin: germline. Observed: 2 variant alleles, 2 heterozygotes.

PreventionGenetics, part of Exact Sciences
Classification: Likely benign for CREBBP-related condition. Last evaluated: 2023-12-14. Review status: no assertion criteria provided. Collection method: clinical testing. Allele origin: germline. Not counted in ClinVar's aggregate classification.
Comment: This variant is classified as likely benign based on ACMG/AMP sequence variant interpretation guidelines (Richards et al. 2015 PMID: 25741868, with internal and published modifications).